The following is an entry in ClinVar:

NM_002857.4(PEX19):c.879T>C (p.Gly293=)

Gene: PEX19 (peroxisomal biogenesis factor 19; minus strand). Cytogenetic location: 1q23.2.
Variant type: single nucleotide variant.
Coding change: c.879T>C on transcript NM_002857.4 (MANE Select); coding-DNA position 879, T replaced by C.
Protein change: p.Gly293=; no amino-acid change (glycine 293 retained).
Molecular consequence: synonymous variant. On other transcripts: missense variant (1), non-coding transcript variant (2).
Genome position (GRCh38, 1-based): chr1:160,279,572, A>G on the plus strand (T>C on the coding strand, the complement: PEX19 is on the minus strand). VCF-style: chr1-160279572-A-G. GRCh37 (hg19) VCF-style: chr1-160249362-A-G.
Other names: p.Gly293=; c.827T>C, p.Val276Ala (NM_001193644.1); short protein forms V276A.
Identifiers: ClinVar variation 258820 (VCV000258820.23), dbSNP rs74125561, ClinGen allele CA1197194.

ClinVar aggregate classification (germline): Benign/Likely benign. Review status: criteria provided, multiple submitters, no conflicts (2 of 4 stars). 9 submissions from 9 submitters: Benign (4); Likely benign (5). Last evaluated 2026-02-03.

Conditions:
Peroxisome biogenesis disorder 12A (Zellweger). Also called: Peroxisome biogenesis disorder 12A. Identifiers: Orphanet 912, MedGen C3554002, MONDO:0013951, OMIM 614886.

Allele frequency attached by ClinVar (database versions not stated): gnomAD exomes 0.00289 and 0.00795; ExAC 0.00809; ESP Exome Variant Server 0.01299; gnomAD 0.01345 and 0.01375; TOPMed 0.01657; 1000 Genomes Project 0.01997; 1000 Genomes Project 30x 0.02030.

Submissions (9):

Labcorp Genetics (formerly Invitae), Labcorp
Classification: Benign for Peroxisome biogenesis disorder 12A (Zellweger). Last evaluated: 2026-02-03. Review status: criteria provided, single submitter. Criteria: Invitae Variant Classification Sherloc (09022015). Collection method: clinical testing. Allele origin: germline.

ARUP Laboratories, Molecular Genetics and Genomics, ARUP Laboratories
Classification: Benign for Peroxisome biogenesis disorder 12A (Zellweger). Last evaluated: 2023-09-13. Review status: criteria provided, single submitter. Criteria: ARUP Molecular Germline Variant Investigation Process 2024. Collection method: clinical testing. Allele origin: germline.

Fulgent Genetics
Classification: Likely benign for Peroxisome biogenesis disorder 12A (Zellweger). Last evaluated: 2022-02-14. Review status: criteria provided, single submitter. Criteria: ACMG Guidelines, 2015. Collection method: clinical testing. Allele origin: unknown.

Mayo Clinic Laboratories, Mayo Clinic
Classification: Benign. Last evaluated: 2020-06-10. Review status: criteria provided, single submitter. Criteria: ACMG Guidelines, 2015. Collection method: clinical testing. Allele origin: germline. Observed: 16 variant alleles.

GeneDx
Classification: Likely benign. Last evaluated: 2018-10-16. Review status: criteria provided, single submitter. Criteria: GeneDx Variant Classification Process June 2021. Collection method: clinical testing. Allele origin: germline. Affected: yes.

Illumina Laboratory Services, Illumina
Classification: Likely benign for Peroxisome biogenesis disorder 12A (Zellweger). Last evaluated: 2017-04-27. Review status: criteria provided, single submitter. Criteria: ICSL Variant Classification Criteria 13 December 2019. Collection method: clinical testing. Allele origin: germline.
Comment: This variant was observed as part of a predisposition screen in an ostensibly healthy population. A literature search was performed for the gene, cDNA change, and amino acid change (where applicable). No publications were found based on this search. Allele frequency data from public databases allowed determination this variant is unlikely to cause disease. Therefore, this variant is classified as likely benign.

Center for Pediatric Genomic Medicine, Children's Mercy Hospital and Clinics
Classification: Likely benign. Last evaluated: 2016-10-13. Review status: criteria provided, single submitter. Criteria: ACMG Guidelines, 2015. Collection method: clinical testing. Allele origin: germline.
ClinVar note: Converted during submission from Likely Benign to Likely benign.

Breakthrough Genomics
Classification: Likely benign. Review status: criteria provided, single submitter. Criteria: ACMG Guidelines, 2015. Collection method: not provided. Allele origin: germline. Inheritance: Autosomal recessive inheritance. Affected: yes.

PreventionGenetics, part of Exact Sciences
Classification: Benign. Review status: criteria provided, single submitter. Criteria: ACMG Guidelines, 2015. Collection method: clinical testing. Allele origin: germline.